The following is an entry in ClinVar:

NM_001903.5(CTNNA1):c.836C>G (p.Ala279Gly)

Gene: CTNNA1 (catenin alpha 1; plus strand). Cytogenetic location: 5q31.2.
Variant type: single nucleotide variant.
Coding change: c.836C>G on transcript NM_001903.5 (MANE Select); coding-DNA position 836, C replaced by G.
Protein change: p.Ala279Gly; replaces alanine 279 with glycine.
Molecular consequence: missense variant.
Genome position (GRCh38, 1-based): chr5:138,824,777, C>G. VCF-style: chr5-138824777-C-G. GRCh37 (hg19) VCF-style: chr5-138160466-C-G.
Other names: c.836C>G, p.Ala279Gly (NM_001323983.1, NM_001323984.2, NM_001323985.2 and 3 more transcripts); c.527C>G, p.Ala176Gly (NM_001290309.3); c.467C>G, p.Ala156Gly (NM_001290310.3); short protein forms A176G, A279G, A156G.
Identifiers: ClinVar variation 2710537 (VCV002710537.3), dbSNP rs2149776708, ClinGen allele CA361130244.

ClinVar aggregate classification (germline): Uncertain significance (1 of 4 stars; one submission).

Submission:

Labcorp Genetics (formerly Invitae), Labcorp
Classification: Uncertain significance. Last evaluated: 2024-01-21. Review status: criteria provided, single submitter. Criteria: Invitae Variant Classification Sherloc (09022015). Collection method: clinical testing. Allele origin: germline.
Comment: This sequence change replaces alanine, which is neutral and non-polar, with glycine, which is neutral and non-polar, at codon 279 of the CTNNA1 protein (p.Ala279Gly). This variant is not present in population databases (gnomAD no frequency). This variant has not been reported in the literature in individuals affected with CTNNA1-related conditions. Advanced modeling of protein sequence and biophysical properties (such as structural, functional, and spatial information, amino acid conservation, physicochemical variation, residue mobility, and thermodynamic stability) performed at Invitae indicates that this missense variant is not expected to disrupt CTNNA1 protein function with a negative predictive value of 80%. In summary, the available evidence is currently insufficient to determine the role of this variant in disease. Therefore, it has been classified as a Variant of Uncertain Significance.